The following is an entry in ClinVar:

NM_001963.6(EGF):c.2124G>A (p.Met708Ile)

Genes: EGF (epidermal growth factor; plus strand), LOC126807134 (BRD4-independent group 4 enhancer GRCh37_chr4:110900995-110902194; plus strand). Cytogenetic location: 4q25.
Variant type: single nucleotide variant.
Coding change: c.2124G>A on transcript NM_001963.6 (MANE Select); coding-DNA position 2124, G replaced by A.
Protein change: p.Met708Ile; replaces methionine 708 with isoleucine.
Molecular consequence: missense variant.
Genome position (GRCh38, 1-based): chr4:109,980,042, G>A. VCF-style: chr4-109980042-G-A. GRCh37 (hg19) VCF-style: chr4-110901198-G-A.
Other names: c.2124G>A, p.Met708Ile (NM_001178130.3); c.1998G>A, p.Met666Ile (NM_001178131.3, NM_001357021.2); short protein forms M708I, M666I.
Identifiers: ClinVar variation 347245 (VCV000347245.21), dbSNP rs2237051, ClinGen allele CA3043882.
Genomic context (GRCh38, chr4:109,980,042, plus strand): 5'-TGCTGTAGCAGTGTTTGAGGATTATGTGTGGTTCTCAGATTGGGCTATGCCATCAGTAAT[G>A]AGAGTAAACAAGAGGACTGGCAAAGATAGAGTACGTCTCCAAGGCAGCATGCTGAAGCCC-3'
Protein context (NP_001954.2, residues 698-718): WFSDWAMPSV[Met708Ile]RVNKRTGKDR

ClinVar aggregate classification (germline): Benign. Review status: criteria provided, multiple submitters, no conflicts (2 of 4 stars). 8 submissions from 8 submitters: Benign (6). 2 of the submissions do not count toward it. Last evaluated 2026-02-04.

Conditions:
Renal hypomagnesemia 4. Also called: HYPOMAGNESEMIA, RENAL, NORMOCALCIURIC. Identifiers: Orphanet 34527, MedGen C2673648, MONDO:0012717, OMIM 611718.

Allele frequency attached by ClinVar (database versions not stated): gnomAD exomes 0.41134 and 0.46447; ExAC 0.46584; gnomAD 0.52485 and 0.52735; ESP Exome Variant Server 0.52514; TOPMed 0.55398; 1000 Genomes Project 0.61781; 1000 Genomes Project 30x 0.62211.
gnomAD v4.1: 683,289 of 1,613,526 alleles (42%); highest among the groups gnomAD compares: African/African-American, 82%; 154,549 homozygotes.

Submissions (8):

Labcorp Genetics (formerly Invitae), Labcorp
Classification: Benign. Last evaluated: 2026-02-04. Review status: criteria provided, single submitter. Criteria: Invitae Variant Classification Sherloc (09022015). Collection method: clinical testing. Allele origin: germline.

Blueprint Genetics
Classification: Benign. Last evaluated: 2024-11-26. Review status: criteria provided, single submitter. Criteria: ACMG Guidelines, 2015. Collection method: clinical testing. Allele origin: germline.

Mayo Clinic Laboratories, Mayo Clinic
Classification: Benign. Last evaluated: 2022-03-09. Review status: criteria provided, single submitter. Criteria: ACMG Guidelines, 2015. Collection method: clinical testing. Allele origin: germline. Observed: 130 variant alleles.

GeneDx
Classification: Benign. Last evaluated: 2018-11-10. Review status: criteria provided, single submitter. Criteria: GeneDx Variant Classification Process June 2021. Collection method: clinical testing. Allele origin: germline. Affected: yes.

Illumina Laboratory Services, Illumina
Classification: Benign for Renal hypomagnesemia 4. Last evaluated: 2018-01-13. Review status: criteria provided, single submitter. Criteria: ICSL Variant Classification Criteria 13 December 2019. Collection method: clinical testing. Allele origin: germline.
Comment: This variant was observed in the ICSL laboratory as part of a predisposition screen in an ostensibly healthy population. It had not been previously curated by ICSL or reported in the Human Gene Mutation Database (HGMD: prior to June 1st, 2018), and was therefore a candidate for classification through an automated scoring system. Utilizing variant allele frequency, disease prevalence and penetrance estimates, and inheritance mode, an automated score was calculated to assess if this variant is too frequent to cause the disease. Based on the score and internal cut-off values, a variant classified as benign is not then subjected to further curation. The score for this variant resulted in a classification of benign for this disease.

Breakthrough Genomics
Classification: Benign. Review status: criteria provided, single submitter. Criteria: ACMG Guidelines, 2015. Collection method: not provided. Allele origin: germline. Inheritance: Autosomal recessive inheritance. Affected: yes.

Diagnostic Laboratory, Department of Genetics, University Medical Center Groningen
Classification: Benign. Review status: no assertion criteria provided. Collection method: clinical testing. Allele origin: germline. Affected: yes. Study: VKGL Data-share Consensus. Not counted in ClinVar's aggregate classification.

Joint Genome Diagnostic Labs from Nijmegen and Maastricht, Radboudumc and MUMC+
Classification: Benign. Review status: no assertion criteria provided. Collection method: clinical testing. Allele origin: germline. Affected: yes. Study: VKGL Data-share Consensus. Not counted in ClinVar's aggregate classification.